The following is an entry in ClinVar:

NM_145239.3(PRRT2):c.982A>T (p.Ile328Phe)

Genes: MVP-DT (MVP divergent transcript; minus strand), PRRT2 (proline rich transmembrane protein 2; plus strand). Cytogenetic location: 16p11.2.
Variant type: single nucleotide variant.
Coding change: c.982A>T on transcript NM_145239.3 (MANE Select); coding-DNA position 982, A replaced by T.
Protein change: p.Ile328Phe; replaces isoleucine 328 with phenylalanine.
Molecular consequence: missense variant. On other transcripts: 3 prime UTR variant (1).
Genome position (GRCh38, 1-based): chr16:29,814,435, A>T. VCF-style: chr16-29814435-A-T. GRCh37 (hg19) VCF-style: chr16-29825756-A-T.
Other names: c.982A>T, p.Ile328Phe (NM_001256442.2); c.*481A>T (NM_001256443.2); short protein forms I328F.
Identifiers: ClinVar variation 3764177 (VCV003764177.1).
Genomic context (GRCh38, chr16:29,814,435, plus strand): 5'-CGTCTGGGCCGGGTAGCCAAGCTCTTAAGCATCGTGGCGCTGGTGGGGGGAGTCCTCATC[A>T]TCATCGCCTCCTGCGTCATCAACTTAGGCGGTGAGTGGGGGCTTGGGACAGGCAGGGGAG-3'
Protein context (NP_660282.2, residues 318-338): IVALVGGVLI[Ile328Phe]IASCVINLGV

ClinVar aggregate classification (germline): Uncertain significance (1 of 4 stars; one submission).

Submission:

GeneDx
Classification: Uncertain significance. Last evaluated: 2024-08-09. Review status: criteria provided, single submitter. Criteria: GeneDx Variant Classification Process June 2021. Collection method: clinical testing. Allele origin: germline. Affected: yes.
Comment: Not observed at significant frequency in large population cohorts (gnomAD); In silico analysis supports that this missense variant has a deleterious effect on protein structure/function; Has not been previously published as pathogenic or benign to our knowledge